The following is an entry in ClinVar:

ClinVar aggregate classification (germline): Uncertain significance. Review status: criteria provided, multiple submitters, no conflicts (2 of 4 stars). 3 submissions from 3 submitters: Uncertain significance (3). Last evaluated 2023-09-11.

Conditions:
Cardiovascular phenotype. Identifiers: MedGen CN230736.
Dilated cardiomyopathy 1CC (CMD1CC). Identifiers: Orphanet 154, MedGen C2751084, MONDO:0013147, OMIM 613122.
Hypertrophic cardiomyopathy 20. Identifiers: MedGen C3151267, MONDO:0013477, OMIM 613876.

Allele frequency attached by ClinVar (database versions not stated): gnomAD exomes below 0.00001; TOPMed 0.00001.
gnomAD v4.1: 3 of 1,611,822 alleles (0.00019%); highest among the groups gnomAD compares: Non-Finnish European, 0.00017%; no homozygotes.

Submissions (3):

Labcorp Genetics (formerly Invitae), Labcorp
Classification: Uncertain significance for Dilated cardiomyopathy 1CC; Hypertrophic cardiomyopathy 20. Last evaluated: 2023-09-11. Review status: criteria provided, single submitter. Criteria: Invitae Variant Classification Sherloc (09022015). Collection method: clinical testing. Allele origin: germline.
Comment: This sequence change replaces glutamic acid, which is acidic and polar, with glycine, which is neutral and non-polar, at codon 59 of the NEXN protein (p.Glu59Gly). This variant is present in population databases (no rsID available, gnomAD 0.01%). In summary, the available evidence is currently insufficient to determine the role of this variant in disease. Therefore, it has been classified as a Variant of Uncertain Significance. An algorithm developed to predict the effect of missense changes on protein structure and function (PolyPhen-2) suggests that this variant is likely to be disruptive. ClinVar contains an entry for this variant (Variation ID: 1303274). This variant has not been reported in the literature in individuals affected with NEXN-related conditions.

Ambry Genetics
Classification: Uncertain significance for Cardiovascular phenotype. Last evaluated: 2023-02-05. Review status: criteria provided, single submitter. Criteria: Ambry Variant Classification Scheme 2023. Collection method: clinical testing. Allele origin: germline.
Comment: The p.E59G variant (also known as c.176A>G), located in coding exon 2 of the NEXN gene, results from an A to G substitution at nucleotide position 176. The glutamic acid at codon 59 is replaced by glycine, an amino acid with similar properties. This amino acid position is conserved. In addition, the in silico prediction for this alteration is inconclusive. Since supporting evidence is limited at this time, the clinical significance of this alteration remains unclear.

GeneDx
Classification: Uncertain significance. Last evaluated: 2020-08-28. Review status: criteria provided, single submitter. Criteria: GeneDx Variant Classification Process June 2021. Collection method: clinical testing. Allele origin: germline. Affected: yes.
Comment: Not observed at a significant frequency in large population cohorts (Lek et al., 2016); In silico analysis supports that this missense variant has a deleterious effect on protein structure/function; Has not been previously published as pathogenic or benign to our knowledge

NM_144573.4(NEXN):c.176A>G (p.Glu59Gly)

Gene: NEXN (nexilin F-actin binding protein; plus strand). Cytogenetic location: 1p31.1.
Variant type: single nucleotide variant.
Coding change: c.176A>G on transcript NM_144573.4 (MANE Select); coding-DNA position 176, A replaced by G.
Protein change: p.Glu59Gly; replaces glutamic acid 59 with glycine.
Molecular consequence: missense variant. On other transcripts: intron variant (1).
Genome position (GRCh38, 1-based): chr1:77,917,714, A>G. VCF-style: chr1-77917714-A-G. GRCh37 (hg19) VCF-style: chr1-78383399-A-G.
Other names: c.28-246A>G (NM_001172309.2); short protein forms E59G.
Identifiers: ClinVar variation 1303274 (VCV001303274.7), dbSNP rs1219781969, ClinGen allele CA340885828.
Genomic context (GRCh38, chr1:77,917,714, plus strand): 5'-AGAGAGCCAGGGAAGAAAGAAATCAAAGGAGATCTAGAGACGAAAAACAAAGAAGAAAAG[A>G]ACAATATATTAGAGAGAGAGAATGGAACAGGAGAAAGCAGGAGGTTATTTTATTTTACTT-3'
Protein context (NP_653174.3, residues 49-69): RSRDEKQRRK[Glu59Gly]QYIREREWNR